The following is an entry in ClinVar:

NM_000836.4(GRIN2D):c.2530A>C (p.Asn844His)

Gene: GRIN2D (glutamate ionotropic receptor NMDA type subunit 2D; plus strand). Cytogenetic location: 19q13.33.
Variant type: single nucleotide variant.
Coding change: c.2530A>C on transcript NM_000836.4 (MANE Select); coding-DNA position 2530, A replaced by C.
Protein change: p.Asn844His; replaces asparagine 844 with histidine.
Molecular consequence: missense variant.
Genome position (GRCh38, 1-based): chr19:48,442,239, A>C. VCF-style: chr19-48442239-A-C. GRCh37 (hg19) VCF-style: chr19-48945496-A-C.
Other names: short protein forms N844H.
Identifiers: ClinVar variation 3901882 (VCV003901882.1).

ClinVar aggregate classification (germline): Likely pathogenic (1 of 4 stars; one submission).

Conditions:
Developmental and epileptic encephalopathy, 46 (DEE46). Also called: Epileptic encephalopathy, early infantile, 46; GRIN2D-Related Developmental and Epileptic Encephalopathy. Identifiers: MedGen C4310687, MONDO:0014947, OMIM 617162.

Submission:

Rare Disease Center, Seoul National University Hospital
Classification: Likely pathogenic for Developmental and epileptic encephalopathy, 46. Last evaluated: 2025-03-23. Review status: criteria provided, single submitter. Criteria: ACMG Guidelines, 2015. Collection method: provider interpretation. Allele origin: de novo. Affected: yes. Observed: 1 variant allele.
Comment: In addition, this variant is not present in population databases (gnomAD). Note: This variant was found in clinical genetic testing performed by one or more labs who may also submit to ClinVar. Therefore, any internal case data may overlap with the internal case data of other submitters. The classification and rationale are that of the Rare Disease Center, Seoul National University Hospital